The following is an entry in ClinVar:

ClinVar aggregate classification (germline): Conflicting classifications of pathogenicity. Review status: criteria provided, conflicting classifications (1 of 4 stars). 4 submissions from 4 submitters: Uncertain significance (3); Likely benign (1). Last evaluated 2023-12-21.

Conditions:
Hereditary breast ovarian cancer syndrome. Also called: Hereditary breast and ovarian cancer syndrome (HBOC); Hereditary breast and ovarian cancer syndrome; Breast and ovarian cancer; BRCA1- and BRCA2-Associated Hereditary Breast and Ovarian Cancer; Hereditary breast and ovarian cancer; Hereditary breast and/or ovarian cancer syndrome. Identifiers: Orphanet 145, MedGen C0677776, MeSH D061325, MONDO:0003582. Disease mechanism: loss of function.
Hereditary cancer-predisposing syndrome. Also called: Neoplastic Syndromes, Hereditary; Hereditary Cancer Syndrome; Hereditary neoplastic syndrome; Tumor predisposition. Identifiers: Orphanet 140162, MedGen C0027672, MeSH D009386, MONDO:0015356.

Allele frequency attached by ClinVar (database versions not stated): TOPMed below 0.00001.

Submissions (4):

Ambry Genetics
Classification: Uncertain significance for Hereditary cancer-predisposing syndrome. Last evaluated: 2023-12-21. Review status: criteria provided, single submitter. Criteria: Ambry Variant Classification Scheme 2023. Collection method: clinical testing. Allele origin: germline.
Comment: The p.D1343Y variant (also known as c.4027G>T), located in coding exon 9 of the BRCA1 gene, results from a G to T substitution at nucleotide position 4027. The aspartic acid at codon 1343 is replaced by tyrosine, an amino acid with highly dissimilar properties. This amino acid position is well conserved in available vertebrate species. In addition, the in silico prediction for this alteration is inconclusive. Since supporting evidence is limited at this time, the clinical significance of this alteration remains unclear.

University of Washington Department of Laboratory Medicine, University of Washington
Classification: Likely benign for Hereditary cancer-predisposing syndrome. Last evaluated: 2023-03-23. Review status: criteria provided, single submitter. Criteria: Dines et al. (Genet Med. 2020). Collection method: curation. Allele origin: germline.
Comment: Missense variant in a coldspot region where missense variants are very unlikely to be pathogenic (PMID:31911673).

BRCA1 coldspot (exon 11 using historical exon numbering). Reclassification based on statistical prior probability

Color Diagnostics, LLC DBA Color Health
Classification: Uncertain significance for Hereditary cancer-predisposing syndrome. Last evaluated: 2022-12-05. Review status: criteria provided, single submitter. Criteria: ACMG Guidelines, 2015. Collection method: clinical testing. Allele origin: germline.
Comment: This missense variant replaces aspartic acid with tyrosine at codon 1343 of the BRCA1 protein. Computational prediction is inconclusive regarding the impact of this variant on protein structure and function (internally defined REVEL score threshold 0.5 < inconclusive < 0.7, PMID: 27666373). To our knowledge, functional studies have not been reported for this variant. This variant has not been reported in individuals affected with hereditary cancer in the literature. This variant has not been identified in the general population by the Genome Aggregation Database (gnomAD). The available evidence is insufficient to determine the role of this variant in disease conclusively. Therefore, this variant is classified as a Variant of Uncertain Significance.

Labcorp Genetics (formerly Invitae), Labcorp
Classification: Uncertain significance for Hereditary breast ovarian cancer syndrome. Last evaluated: 2021-08-27. Review status: criteria provided, single submitter. Criteria: Invitae Variant Classification Sherloc (09022015). Collection method: clinical testing. Allele origin: germline.
Comment: This sequence change replaces aspartic acid with tyrosine at codon 1343 of the BRCA1 protein (p.Asp1343Tyr). The aspartic acid residue is moderately conserved and there is a large physicochemical difference between aspartic acid and tyrosine. This variant is not present in population databases (ExAC no frequency). This variant has not been reported in the literature in individuals affected with BRCA1-related conditions. ClinVar contains an entry for this variant (Variation ID: 479227). Algorithms developed to predict the effect of missense changes on protein structure and function are either unavailable or do not agree on the potential impact of this missense change (SIFT: "Deleterious"; PolyPhen-2: "Possibly Damaging"; Align-GVGD: "Class C0"). In summary, the available evidence is currently insufficient to determine the role of this variant in disease. Therefore, it has been classified as a Variant of Uncertain Significance.

NM_007294.4(BRCA1):c.4027G>T (p.Asp1343Tyr)

Genes: BRCA1 (BRCA1 DNA repair associated; minus strand), LOC126862571 (BRD4-independent group 4 enhancer GRCh37_chr17:41243136-41244335; plus strand). Cytogenetic location: 17q21.31.
Variant type: single nucleotide variant.
Coding change: c.4027G>T on transcript NM_007294.4 (MANE Select); coding-DNA position 4027, G replaced by T.
Protein change: p.Asp1343Tyr; replaces aspartic acid 1343 with tyrosine.
Molecular consequence: missense variant. On other transcripts: intron variant (135).
Genome position (GRCh38, 1-based): chr17:43,091,504, C>A on the plus strand (G>T on the coding strand, the complement: BRCA1 is on the minus strand). VCF-style: chr17-43091504-C-A. GRCh37 (hg19) VCF-style: chr17-41243521-C-A.
Other names: c.3883G>T, p.Asp1295Tyr (NM_001407749.1, NM_001407839.1, NM_001407841.1 and 20 more transcripts); c.665-472G>T (NM_001408440.1, NM_001408428.1, NM_001408436.1 and 12 more transcripts); c.3886G>T, p.Asp1296Tyr (NM_001407750.1, NM_001407751.1, NM_001407752.1 and 29 more transcripts); c.671-472G>T (NM_001408418.1, NM_001408423.1, NM_001408420.1 and 2 more transcripts); c.710-472G>T (NM_001408414.1, NM_001408412.1, NM_001408409.1 and 2 more transcripts); c.788-472G>T (NM_007298.4, NM_001407978.1, NM_001407981.1 and 17 more transcripts); c.644-472G>T (NM_001408462.1, NM_001408470.1, NM_001408464.1 and 3 more transcripts); c.3814G>T, p.Asp1272Tyr (NM_001407853.1, NM_001407894.1, NM_001407895.1 and 9 more transcripts); and 41 more; short protein forms D1343Y, D1296Y, D1216Y, D1232Y, D1255Y, D1273Y, D1276Y, D1047Y.
Identifiers: ClinVar variation 479227 (VCV000479227.16), dbSNP rs1160287128, ClinGen allele CA10593904.